The following is an entry in ClinVar:

ClinVar aggregate classification (germline): Likely benign (1 of 4 stars; one submission).

Conditions:
DGUOK-related disorder. Also called: DGUOK-related condition.

gnomAD v4.1: 1 of 1,613,422 alleles (0.000062%); highest among the groups gnomAD compares: Non-Finnish European, 0.000085%; no homozygotes.

Submission:

PreventionGenetics, part of Exact Sciences
Classification: Likely benign for DGUOK-related condition. Last evaluated: 2026-06-01. Review status: criteria provided, single submitter. Criteria: ACMG Guidelines, 2015. Collection method: clinical testing. Allele origin: germline.
Comment: This variant is classified as likely benign based on ACMG/AMP sequence variant interpretation guidelines (Richards et al. 2015 PMID: 25741868, with internal and published modifications).

NM_080916.3(DGUOK):c.-7G>A

Gene: DGUOK (deoxyguanosine kinase; plus strand). Cytogenetic location: 2p13.1.
Variant type: single nucleotide variant.
Coding change: c.-7G>A on transcript NM_080916.3 (MANE Select); 7 bases upstream of the start codon, G replaced by A.
Molecular consequence: 5 prime UTR variant. On other transcripts: non-coding transcript variant (6).
Genome position (GRCh38, 1-based): chr2:73,926,904, G>A. VCF-style: chr2-73926904-G-A. GRCh37 (hg19) VCF-style: chr2-74154031-G-A.
Other names: c.-7G>A (NM_001318859.2, NM_080918.3); c.-185G>A (NM_001318860.2, NM_001318863.2); c.-271G>A (NM_001318861.2, NM_001318862.2).
Identifiers: ClinVar variation 4993814 (VCV004993814.1).